The following is an entry in ClinVar:

ClinVar aggregate classification (germline): Likely benign (1 of 4 stars; one submission).

Allele frequency attached by ClinVar (database versions not stated): 1000 Genomes Project 0.00120; 1000 Genomes Project 30x 0.00125; ExAC 0.00307; gnomAD 0.00343; TOPMed 0.00356; ESP Exome Variant Server 0.00477.
gnomAD v4.1: 8,542 of 1,593,904 alleles (0.54%); highest among the groups gnomAD compares: Non-Finnish European, 0.68%; 37 homozygotes.

Submission:

CeGaT Center for Human Genetics Tuebingen
Classification: Likely benign. Last evaluated: 2022-12-01. Review status: criteria provided, single submitter. Criteria: CeGaT Center For Human Genetics Tuebingen Variant Classification Criteria Version 2. Collection method: clinical testing. Allele origin: germline. Affected: yes. Observed: 1 variant allele.
Comment: KIFC2: BS2

NM_001369769.2(KIFC2):c.604A>T (p.Ile202Phe)

Gene: KIFC2 (kinesin family member C2; plus strand). Cytogenetic location: 8q24.3.
Variant type: single nucleotide variant.
Coding change: c.604A>T on transcript NM_001369769.2 (MANE Select); coding-DNA position 604, A replaced by T.
Protein change: p.Ile202Phe; replaces isoleucine 202 with phenylalanine.
Molecular consequence: missense variant.
Genome position (GRCh38, 1-based): chr8:144,467,619, A>T. VCF-style: chr8-144467619-A-T. GRCh37 (hg19) VCF-style: chr8-145693002-A-T.
Other names: c.604A>T, p.Ile202Phe (NM_145754.5); short protein forms I202F.
Identifiers: ClinVar variation 2658987 (VCV002658987.24), dbSNP rs146924845, ClinGen allele CA4944471.